The following is an entry in ClinVar:

ClinVar aggregate classification (germline): Uncertain significance. Review status: criteria provided, multiple submitters, no conflicts (2 of 4 stars). 2 submissions from 2 submitters: Uncertain significance (2). Last evaluated 2024-04-27.

Conditions:
Hereditary cancer-predisposing syndrome. Also called: Neoplastic Syndromes, Hereditary; Tumor predisposition; Hereditary Cancer Syndrome; Hereditary neoplastic syndrome. Identifiers: Orphanet 140162, MedGen C0027672, MeSH D009386, MONDO:0015356.
Bloom syndrome (BLM). Also called: Bloom-Torre-Machacek syndrome. Identifiers: Orphanet 125, MedGen C0005859, MONDO:0008876, OMIM 210900.

Submissions (2):

Ambry Genetics
Classification: Uncertain significance for Hereditary cancer-predisposing syndrome. Last evaluated: 2024-04-27. Review status: criteria provided, single submitter. Criteria: Ambry Variant Classification Scheme 2023. Collection method: clinical testing. Allele origin: germline.
Comment: The p.V1198A variant (also known as c.3593T>C), located in coding exon 18 of the BLM gene, results from a T to C substitution at nucleotide position 3593. The valine at codon 1198 is replaced by alanine, an amino acid with similar properties. This amino acid position is conserved. In addition, this alteration is predicted to be tolerated by in silico analysis. Since supporting evidence is limited at this time, the clinical significance of this alteration remains unclear.

Labcorp Genetics (formerly Invitae), Labcorp
Classification: Uncertain significance for Bloom syndrome. Last evaluated: 2023-10-06. Review status: criteria provided, single submitter. Criteria: Invitae Variant Classification Sherloc (09022015). Collection method: clinical testing. Allele origin: germline.
Comment: This sequence change replaces valine, which is neutral and non-polar, with alanine, which is neutral and non-polar, at codon 1198 of the BLM protein (p.Val1198Ala). This variant is not present in population databases (gnomAD no frequency). This variant has not been reported in the literature in individuals affected with BLM-related conditions. ClinVar contains an entry for this variant (Variation ID: 1733007). Advanced modeling of protein sequence and biophysical properties (such as structural, functional, and spatial information, amino acid conservation, physicochemical variation, residue mobility, and thermodynamic stability) performed at Invitae indicates that this missense variant is not expected to disrupt BLM protein function. In summary, the available evidence is currently insufficient to determine the role of this variant in disease. Therefore, it has been classified as a Variant of Uncertain Significance.

NM_000057.4(BLM):c.3593T>C (p.Val1198Ala)

Gene: BLM (BLM RecQ like helicase; plus strand). Cytogenetic location: 15q26.1.
Variant type: single nucleotide variant.
Coding change: c.3593T>C on transcript NM_000057.4 (MANE Select); coding-DNA position 3593, T replaced by C.
Protein change: p.Val1198Ala; replaces valine 1198 with alanine.
Molecular consequence: missense variant. On other transcripts: intron variant (1).
Genome position (GRCh38, 1-based): chr15:90,804,201, T>C. VCF-style: chr15-90804201-T-C. GRCh37 (hg19) VCF-style: chr15-91347431-T-C.
Other names: c.3593T>C, p.Val1198Ala (NM_001287246.2); c.2468T>C, p.Val823Ala (NM_001287248.2); c.3359-4936T>C (NM_001287247.2); short protein forms V823A, V1198A.
Identifiers: ClinVar variation 1733007 (VCV001733007.6), dbSNP rs2505549665, ClinGen allele CA393847956.